The following is an entry in ClinVar:

ClinVar aggregate classification (germline): Likely benign (0 of 4 stars; one submission).

Conditions:
UBN2-related disorder. Also called: UBN2-related condition.

Allele frequency attached by ClinVar (database versions not stated): ExAC 0.00002; gnomAD exomes 0.00003; gnomAD 0.00005; ESP Exome Variant Server 0.00009.
gnomAD v4.1: 49 of 1,491,802 alleles (0.0033%); highest among the groups gnomAD compares: Non-Finnish European, 0.0043%; no homozygotes.

Submission:

PreventionGenetics, part of Exact Sciences
Classification: Likely benign for UBN2-related condition. Last evaluated: 2019-05-28. Review status: no assertion criteria provided. Collection method: clinical testing. Allele origin: germline.
Comment: This variant is classified as likely benign based on ACMG/AMP sequence variant interpretation guidelines (Richards et al. 2015 PMID: 25741868, with internal and published modifications).

NM_173569.4(UBN2):c.1462C>T (p.Leu488=)

Gene: UBN2 (ubinuclein 2; plus strand). Cytogenetic location: 7q34.
Variant type: single nucleotide variant.
Coding change: c.1462C>T on transcript NM_173569.4 (MANE Select); coding-DNA position 1462, C replaced by T.
Protein change: p.Leu488=; no amino-acid change (leucine 488 retained).
Molecular consequence: synonymous variant.
Genome position (GRCh38, 1-based): chr7:139,266,399, C>T. VCF-style: chr7-139266399-C-T. GRCh37 (hg19) VCF-style: chr7-138951145-C-T.
Identifiers: ClinVar variation 3044425 (VCV003044425.2), dbSNP rs374681292, ClinGen allele CA4508917.